The following is an entry in ClinVar:

ClinVar aggregate classification (germline): not provided (0 of 4 stars; one submission).

Conditions:
Hyperimmunoglobulin D with periodic fever (HIDS). Also called: HYPERIMMUNOGLOBULINEMIA D AND PERIODIC FEVER SYNDROME; Hyperimmunoglobulinemia D; Hyperimmunoglobulinemia D with periodic fever. Identifiers: Orphanet 343, MedGen C0398691, MONDO:0009849, OMIM 260920.

Allele frequency attached by ClinVar (database versions not stated): ExAC 0.00001; gnomAD 0.00001; gnomAD exomes 0.00001; 1000 Genomes Project 30x 0.00016.
gnomAD v4.1: 4 of 1,614,010 alleles (0.00025%); highest among the groups gnomAD compares: Admixed American, 0.0017%; no homozygotes.

Submission:

Unité médicale des maladies autoinflammatoires, CHRU Montpellier
No classification provided. Condition: Hyperimmunoglobulin D with periodic fever. Review status: no classification provided. Collection method: not provided. Allele origin: unknown.
Comment: also involved in OMIM 25117

NM_000431.4(MVK):c.1039+1G>T

Gene: MVK (mevalonate kinase; plus strand). Cytogenetic location: 12q24.11.
Variant type: single nucleotide variant.
Coding change: c.1039+1G>T on transcript NM_000431.4 (MANE Select); the canonical splice donor site of the intron after coding-DNA position 1039, G replaced by T.
Molecular consequence: splice donor variant. On other transcripts: missense variant (2).
Genome position (GRCh38, 1-based): chr12:109,595,182, G>T. VCF-style: chr12-109595182-G-T. GRCh37 (hg19) VCF-style: chr12-110032987-G-T.
Other names: c.1040G>T, p.Gly347Val (NM_001414513.1); c.884G>T, p.Gly295Val (NM_001414514.1); c.1039+1G>T (NM_001414511.1, NM_001114185.3); c.1114+1G>T (NM_001414512.1); c.883+1G>T (NM_001301182.2); c.457+1G>T (NM_001414515.1); short protein forms G295V, G347V.
Identifiers: ClinVar variation 97562 (VCV000097562.1), dbSNP rs104895362, ClinGen allele CA149770.